The following is an entry in ClinVar:

ClinVar aggregate classification (germline): Pathogenic (1 of 4 stars; one submission).

Conditions:
Hereditary cancer-predisposing syndrome. Also called: Neoplastic Syndromes, Hereditary; Tumor predisposition; Hereditary Cancer Syndrome; Hereditary neoplastic syndrome. Identifiers: Orphanet 140162, MedGen C0027672, MeSH D009386, MONDO:0015356.

Submission:

Ambry Genetics
Classification: Pathogenic for Hereditary cancer-predisposing syndrome. Last evaluated: 2024-08-30. Review status: criteria provided, single submitter. Criteria: Ambry Variant Classification Scheme 2023. Collection method: clinical testing. Allele origin: germline.
Comment: The c.484delC pathogenic mutation, located in coding exon 4 of the APC gene, results from a deletion of one nucleotide at nucleotide position 484, causing a translational frameshift with a predicted alternate stop codon (p.L162Ffs*8). This variant is considered to be rare based on population cohorts in the Genome Aggregation Database (gnomAD). This alteration is expected to result in loss of function by premature protein truncation or nonsense-mediated mRNA decay. As such, this alteration is interpreted as a disease-causing mutation.

NM_000038.6(APC):c.484del (p.Leu162fs)

Gene: APC (APC regulator of Wnt signaling pathway; plus strand). Cytogenetic location: 5q22.2.
Variant type: Deletion.
Coding change: c.484del on transcript NM_000038.6 (MANE Select); coding-DNA position 484, one base deleted (C; older notation c.484delC).
Protein change: p.Leu162fs; shifts the reading frame from leucine 162.
Molecular consequence: frameshift variant. On other transcripts: 5 prime UTR variant (4), non-coding transcript variant (2).
Genome position (GRCh38, 1-based): chr5:112,775,690, C deleted. VCF-style (leftmost placement, unchanged base first): chr5-112775689-AC-A. GRCh37 (hg19) VCF-style: chr5-112111386-AC-A.
Other names: c.484del, p.Leu162fs (NM_001127510.3, NM_001354895.2, NM_001354896.2 and 16 more transcripts); c.514del, p.Leu172fs (NM_001127511.3, NM_001354897.2, NM_001354902.2 and 1 more transcripts); c.409del, p.Leu137fs (NM_001354898.2, NM_001354904.2, NM_001407451.1); c.307del, p.Leu103fs (NM_001354900.2, NM_001354901.2, NM_001354905.2 and 1 more transcripts); c.-552del (NM_001354906.2, NM_001407470.1, NM_001407471.1 and 1 more transcripts); short protein forms L103fs, L137fs, L162fs, L172fs.
Identifiers: ClinVar variation 3410362 (VCV003410362.1).